The following is an entry in ClinVar:

ClinVar aggregate classification (germline): Uncertain significance. Review status: criteria provided, multiple submitters, no conflicts (2 of 4 stars). 2 submissions from 2 submitters: Uncertain significance (2). Last evaluated 2022-06-05.

Conditions:
Inborn genetic diseases. Identifiers: MedGen C0950123, MeSH D030342.

Allele frequency attached by ClinVar (database versions not stated): TOPMed 0.00001.
gnomAD v4.1: 13 of 1,614,258 alleles (0.00081%); highest among the groups gnomAD compares: Non-Finnish European, 0.00017%; no homozygotes.

Submissions (2):

Labcorp Genetics (formerly Invitae), Labcorp
Classification: Uncertain significance. Last evaluated: 2022-06-05. Review status: criteria provided, single submitter. Criteria: Invitae Variant Classification Sherloc (09022015). Collection method: clinical testing. Allele origin: germline.
Comment: This sequence change replaces leucine, which is neutral and non-polar, with arginine, which is basic and polar, at codon 219 of the ACAD9 protein (p.Leu219Arg). This variant is present in population databases (rs776023607, gnomAD 0.02%). This variant has not been reported in the literature in individuals affected with ACAD9-related conditions. ClinVar contains an entry for this variant (Variation ID: 1422993). Advanced modeling of protein sequence and biophysical properties (such as structural, functional, and spatial information, amino acid conservation, physicochemical variation, residue mobility, and thermodynamic stability) performed at Invitae indicates that this missense variant is not expected to disrupt ACAD9 protein function. In summary, the available evidence is currently insufficient to determine the role of this variant in disease. Therefore, it has been classified as a Variant of Uncertain Significance.

Ambry Genetics
Classification: Uncertain significance for Inborn genetic diseases. Last evaluated: 2022-05-04. Review status: criteria provided, single submitter. Criteria: Ambry Variant Classification Scheme 2023. Collection method: clinical testing. Allele origin: germline.

NM_014049.5(ACAD9):c.656T>G (p.Leu219Arg)

Gene: ACAD9 (acyl-CoA dehydrogenase family member 9; plus strand). Cytogenetic location: 3q21.3.
Variant type: single nucleotide variant.
Coding change: c.656T>G on transcript NM_014049.5 (MANE Select); coding-DNA position 656, T replaced by G.
Protein change: p.Leu219Arg; replaces leucine 219 with arginine.
Molecular consequence: missense variant. On other transcripts: non-coding transcript variant (1).
Genome position (GRCh38, 1-based): chr3:128,899,309, T>G. VCF-style: chr3-128899309-T-G. GRCh37 (hg19) VCF-style: chr3-128618152-T-G.
Other names: c.656T>G (NM_014049.4); short protein forms L219R.
Identifiers: ClinVar variation 1422993 (VCV001422993.4), dbSNP rs776023607, ClinGen allele CA2601239.